The following is an entry in ClinVar:

NM_021098.3(CACNA1H):c.1516C>G (p.Arg506Gly)

Gene: CACNA1H (calcium voltage-gated channel subunit alpha1 H; plus strand). Cytogenetic location: 16p13.3.
Variant type: single nucleotide variant.
Coding change: c.1516C>G on transcript NM_021098.3 (MANE Select); coding-DNA position 1516, C replaced by G.
Protein change: p.Arg506Gly; replaces arginine 506 with glycine.
Molecular consequence: missense variant.
Genome position (GRCh38, 1-based): chr16:1,201,966, C>G. VCF-style: chr16-1201966-C-G. GRCh37 (hg19) VCF-style: chr16-1251966-C-G.
Other names: c.1516C>G, p.Arg506Gly (NM_001005407.2); short protein forms R506G.
Identifiers: ClinVar variation 1122612 (VCV001122612.10), dbSNP rs58593315, ClinGen allele CA7799959.

ClinVar aggregate classification (germline): Conflicting classifications of pathogenicity. Review status: criteria provided, conflicting classifications (1 of 4 stars). 2 submissions from 2 submitters: Uncertain significance (1); Likely benign (1). Last evaluated 2025-12-19.

Conditions:
Hyperaldosteronism, familial, type IV (HALD4). Also called: FH IV; ALDOSTERONISM, PRIMARY, AND HYPERTENSION. Identifiers: Orphanet 642671, MedGen C4310756, MONDO:0014875, OMIM 617027.
Idiopathic generalized epilepsy. Also called: Generalised epilepsy; EIG. Identifiers: MedGen C0270850, MONDO:0005579, OMIM 600669.

Allele frequency attached by ClinVar (database versions not stated): 1000 Genomes Project 0.00080; 1000 Genomes Project 30x 0.00094.
gnomAD v4.1: 116 of 1,544,596 alleles (0.0075%); highest among the groups gnomAD compares: African/African-American, 0.15%; no homozygotes.

Submissions (2):

Labcorp Genetics (formerly Invitae), Labcorp
Classification: Likely benign for Idiopathic generalized epilepsy; Hyperaldosteronism, familial, type IV. Last evaluated: 2025-12-19. Review status: criteria provided, single submitter. Criteria: Invitae Variant Classification Sherloc (09022015). Collection method: clinical testing. Allele origin: germline.

Women's Health and Genetics/Laboratory Corporation of America, LabCorp
Classification: Uncertain significance. Last evaluated: 2021-06-09. Review status: criteria provided, single submitter. Criteria: LabCorp Variant Classification Summary - May 2015. Collection method: clinical testing. Allele origin: germline.
Comment: Variant summary: CACNA1H c.1516C>G (p.Arg506Gly) results in a non-conservative amino acid change in the encoded protein sequence. Three of five in-silico tools predict a benign effect of the variant on protein function. The variant allele was found at a frequency of 0.00042 in 150980 control chromosomes, predominantly at a frequency of 0.0015 within the African or African-American subpopulation in the gnomAD v3.1.1 database. To our knowledge, no occurrence of c.1516C>G in individuals affected with Hyperaldosteronism, Familial, Type IV and no experimental evidence demonstrating its impact on protein function have been reported. No clinical diagnostic laboratories have submitted clinical-significance assessments for this variant to ClinVar after 2014. Based on the evidence outlined above, the variant was classified as uncertain significance.